The following is an entry in ClinVar:

NM_001369.3(DNAH5):c.10415A>G (p.Lys3472Arg)

Gene: DNAH5 (dynein axonemal heavy chain 5; minus strand). Cytogenetic location: 5p15.2.
Variant type: single nucleotide variant.
Coding change: c.10415A>G on transcript NM_001369.3 (MANE Select); coding-DNA position 10415, A replaced by G.
Protein change: p.Lys3472Arg; replaces lysine 3472 with arginine.
Molecular consequence: missense variant.
Genome position (GRCh38, 1-based): chr5:13,758,850, T>C on the plus strand (A>G on the coding strand, the complement: DNAH5 is on the minus strand). VCF-style: chr5-13758850-T-C. GRCh37 (hg19) VCF-style: chr5-13758959-T-C.
Other names: short protein forms K3472R.
Identifiers: ClinVar variation 372620 (VCV000372620.25), dbSNP rs1057517890, ClinGen allele CA16042576.

ClinVar aggregate classification (germline): Uncertain significance. Review status: criteria provided, multiple submitters, no conflicts (2 of 4 stars). 6 submissions from 6 submitters: Uncertain significance (5). 1 of the submissions does not count toward it. Last evaluated 2024-11-12.

Conditions:
Primary ciliary dyskinesia. Also called: Ciliary dyskinesia. Identifiers: Orphanet 244, MedGen C0008780, MONDO:0016575, HP:0012265.

Allele frequency attached by ClinVar (database versions not stated): gnomAD 0.00001; TOPMed 0.00001.
gnomAD v4.1: 20 of 1,614,172 alleles (0.0012%); highest among the groups gnomAD compares: Middle Eastern, 0.017%; no homozygotes.

Submissions (6):

Ambry Genetics
Classification: Uncertain significance for Primary ciliary dyskinesia. Last evaluated: 2024-11-12. Review status: criteria provided, single submitter. Criteria: Ambry Variant Classification Scheme 2023. Collection method: clinical testing. Allele origin: germline.
Comment: The p.K3472R variant (also known as c.10415A>G), located in coding exon 61 of the DNAH5 gene, results from an A to G substitution at nucleotide position 10415. The lysine at codon 3472 is replaced by arginine, an amino acid with highly similar properties. This amino acid position is highly conserved in available vertebrate species. In addition, the in silico prediction for this alteration is inconclusive. Based on the available evidence, the clinical significance of this variant remains unclear.

Blueprint Genetics
Classification: Uncertain significance. Last evaluated: 2024-10-21. Review status: criteria provided, single submitter. Criteria: ACMG Guidelines, 2015. Collection method: clinical testing. Allele origin: germline.

CeGaT Center for Human Genetics Tuebingen
Classification: Uncertain significance. Last evaluated: 2024-09-01. Review status: criteria provided, single submitter. Criteria: CeGaT Center For Human Genetics Tuebingen Variant Classification Criteria Version 2. Collection method: clinical testing. Allele origin: germline. Affected: yes. Observed: 1 variant allele.
Comment: DNAH5: PM2

Labcorp Genetics (formerly Invitae), Labcorp
Classification: Uncertain significance for Primary ciliary dyskinesia. Last evaluated: 2022-05-12. Review status: criteria provided, single submitter. Criteria: Invitae Variant Classification Sherloc (09022015). Collection method: clinical testing. Allele origin: germline.
Comment: This sequence change replaces lysine, which is basic and polar, with arginine, which is basic and polar, at codon 3472 of the DNAH5 protein (p.Lys3472Arg). This variant is present in population databases (no rsID available, gnomAD 0.0009%). This variant has not been reported in the literature in individuals affected with DNAH5-related conditions. ClinVar contains an entry for this variant (Variation ID: 372620). Algorithms developed to predict the effect of missense changes on protein structure and function are either unavailable or do not agree on the potential impact of this missense change (SIFT: "Deleterious"; PolyPhen-2: "Possibly Damaging"; Align-GVGD: "Class C0"). In summary, the available evidence is currently insufficient to determine the role of this variant in disease. Therefore, it has been classified as a Variant of Uncertain Significance.

GeneDx
Classification: Uncertain significance. Last evaluated: 2020-11-04. Review status: criteria provided, single submitter. Criteria: GeneDx Variant Classification Process June 2021. Collection method: clinical testing. Allele origin: germline. Affected: yes.
Comment: Not observed at a significant frequency in large population cohorts (Lek et al., 2016); In silico analysis supports that this missense variant has a deleterious effect on protein structure/function; This variant is associated with the following publications: (PMID: 28425981)

Natera, Inc.
Classification: Uncertain significance for Primary ciliary dyskinesia. Last evaluated: 2020-08-19. Review status: no assertion criteria provided. Collection method: clinical testing. Allele origin: germline. Not counted in ClinVar's aggregate classification.

Literature cited by the submitters: PubMed 37644014 (cited by Ambry Genetics).